The following is an entry in ClinVar:

ClinVar aggregate classification (germline): Uncertain significance. Review status: criteria provided, multiple submitters, no conflicts (2 of 4 stars). 5 submissions from 5 submitters: Uncertain significance (4). 1 of the submissions does not count toward it. Last evaluated 2024-09-08.

Conditions:
Hereditary cancer-predisposing syndrome. Also called: Hereditary neoplastic syndrome; Neoplastic Syndromes, Hereditary; Tumor predisposition; Hereditary Cancer Syndrome. Identifiers: Orphanet 140162, MedGen C0027672, MeSH D009386, MONDO:0015356.
Ataxia-telangiectasia syndrome (AT). Also called: Ataxia telangiectasia (A-T); LOUIS-BAR SYNDROME; Cerebello-oculocutaneous telangiectasia; Immunodeficiency with ataxia telangiectasia; Ataxia-telangiectasia, complementation group D; AT, COMPLEMENTATION GROUP C. Identifiers: Orphanet 100, MedGen C0004135, MONDO:0008840, OMIM 208900.

Submissions (5):

Ambry Genetics
Classification: Uncertain significance for Hereditary cancer-predisposing syndrome. Last evaluated: 2024-09-08. Review status: criteria provided, single submitter. Criteria: Ambry Variant Classification Scheme 2023. Collection method: clinical testing. Allele origin: germline.
Comment: The p.M1657V variant (also known as c.4969A>G), located in coding exon 32 of the ATM gene, results from an A to G substitution at nucleotide position 4969. The methionine at codon 1657 is replaced by valine, an amino acid with highly similar properties. This amino acid position is conserved. In addition, this alteration is predicted to be tolerated by in silico analysis. Based on the available evidence, the clinical significance of this variant remains unclear.

GeneDx
Classification: Uncertain significance. Last evaluated: 2024-07-17. Review status: criteria provided, single submitter. Criteria: GeneDx Variant Classification Process June 2021. Collection method: clinical testing. Allele origin: germline. Affected: yes.
Comment: Not observed at significant frequency in large population cohorts (gnomAD); In silico analysis indicates that this missense variant does not alter protein structure/function; Has not been previously published as pathogenic or benign to our knowledge

Color Diagnostics, LLC DBA Color Health
Classification: Uncertain significance for Hereditary cancer-predisposing syndrome. Last evaluated: 2024-01-05. Review status: criteria provided, single submitter. Criteria: ACMG Guidelines, 2015. Collection method: clinical testing. Allele origin: germline.
Comment: This missense variant replaces methionine with valine at codon 1657 of the ATM protein. Computational prediction suggests that this variant may not impact protein structure and function. To our knowledge, functional studies have not been reported for this variant. This variant has not been reported in individuals affected with ATM-related disorders in the literature. This variant has not been identified in the general population by the Genome Aggregation Database (gnomAD). The available evidence is insufficient to determine the role of this variant in disease conclusively. Therefore, this variant is classified as a Variant of Uncertain Significance.

Labcorp Genetics (formerly Invitae), Labcorp
Classification: Uncertain significance for Ataxia-telangiectasia syndrome. Last evaluated: 2021-09-01. Review status: criteria provided, single submitter. Criteria: Invitae Variant Classification Sherloc (09022015). Collection method: clinical testing. Allele origin: germline.
Comment: This sequence change replaces methionine with valine at codon 1657 of the ATM protein (p.Met1657Val). The methionine residue is moderately conserved and there is a small physicochemical difference between methionine and valine. This variant is not present in population databases (ExAC no frequency). This variant has not been reported in the literature in individuals affected with ATM-related conditions. Algorithms developed to predict the effect of missense changes on protein structure and function (SIFT, PolyPhen-2, Align-GVGD) all suggest that this variant is likely to be tolerated. Algorithms developed to predict the effect of sequence changes on RNA splicing suggest that this variant may create or strengthen a splice site. In summary, the available evidence is currently insufficient to determine the role of this variant in disease. Therefore, it has been classified as a Variant of Uncertain Significance.

Natera, Inc.
Classification: Uncertain significance for Ataxia-telangiectasia. Last evaluated: 2020-09-10. Review status: no assertion criteria provided. Collection method: clinical testing. Allele origin: germline. Not counted in ClinVar's aggregate classification.

NM_000051.4(ATM):c.4969A>G (p.Met1657Val)

Gene: ATM (ATM serine/threonine kinase; plus strand). Cytogenetic location: 11q22.3.
Variant type: single nucleotide variant.
Coding change: c.4969A>G on transcript NM_000051.4 (MANE Select); coding-DNA position 4969, A replaced by G.
Protein change: p.Met1657Val; replaces methionine 1657 with valine.
Molecular consequence: missense variant.
Genome position (GRCh38, 1-based): chr11:108,297,346, A>G. VCF-style: chr11-108297346-A-G. GRCh37 (hg19) VCF-style: chr11-108168073-A-G.
Other names: c.4969A>G, p.Met1657Val (NM_001351834.2); short protein forms M1657V.
Identifiers: ClinVar variation 407651 (VCV000407651.13), dbSNP rs1060501656, ClinGen allele CA16613430.